The following is an entry in ClinVar:

NM_001613.4(ACTA2):c.697G>A (p.Ala233Thr)

Genes: ACTA2 (actin alpha 2, smooth muscle; minus strand), ACTA2-AS1 (ACTA2 antisense RNA 1; plus strand). Cytogenetic location: 10q23.31.
Variant type: single nucleotide variant.
Coding change: c.697G>A on transcript NM_001613.4 (MANE Select); coding-DNA position 697, G replaced by A.
Protein change: p.Ala233Thr; replaces alanine 233 with threonine.
Molecular consequence: missense variant. On other transcripts: non-coding transcript variant (1).
Genome position (GRCh38, 1-based): chr10:88,939,618, C>T on the plus strand (G>A on the coding strand, the complement: ACTA2 is on the minus strand). VCF-style: chr10-88939618-C-T. GRCh37 (hg19) VCF-style: chr10-90699375-C-T.
Other names: c.697G>A, p.Ala233Thr (NM_001141945.3, NM_001320855.2, NM_001406462.1 and 2 more transcripts); c.586G>A, p.Ala196Thr (NM_001406466.1); c.568G>A, p.Ala190Thr (NM_001406467.1, NM_001406468.1, NM_001406469.1); short protein forms A233T, A190T, A196T.
Identifiers: ClinVar variation 199673 (VCV000199673.15), dbSNP rs777810222, ClinGen allele CA006994.

ClinVar aggregate classification (germline): Uncertain significance. Review status: criteria provided, multiple submitters, no conflicts (2 of 4 stars). 4 submissions from 4 submitters: Uncertain significance (4). Last evaluated 2024-07-20.

Conditions:
Familial thoracic aortic aneurysm and aortic dissection (TAAD). Also called: Thoracic aortic aneurysms and dissections. Identifiers: Orphanet 91387, MedGen C4707243, MONDO:0019625.
Aortic aneurysm, familial thoracic 6 (AAT6). Also called: FAMILIAL THORACIC AORTIC ANEURYSM WITH LIVEDO RETICULARIS AND IRIS FLOCCULI. Identifiers: MedGen C2673186, MONDO:0012730, OMIM 611788.

Allele frequency attached by ClinVar (database versions not stated): gnomAD 0.00001; TOPMed 0.00001; ExAC 0.00002; gnomAD exomes 0.00002.
gnomAD v4.1: 35 of 1,613,950 alleles (0.0022%); highest among the groups gnomAD compares: South Asian, 0.0044%; no homozygotes.

Submissions (4):

All of Us Research Program, National Institutes of Health
Classification: Uncertain significance for Familial thoracic aortic aneurysm and aortic dissection. Last evaluated: 2024-07-20. Review status: criteria provided, single submitter. Criteria: ACMG Guidelines, 2015. Collection method: clinical testing. Allele origin: germline. Inheritance: Autosomal dominant inheritance. Observed: 3 variant alleles, 3 heterozygotes.
Comment: This missense variant replaces alanine with threonine at codon 233 of the ACTA2 protein. Computational prediction suggests that this variant may not impact protein structure and function (internally defined REVEL score threshold <= 0.5, PMID: 27666373). To our knowledge, functional studies have not been reported for this variant. This variant has not been reported in individuals affected with cardiovascular disorders in the literature. This variant has not been identified in the general population by the Genome Aggregation Database (gnomAD). The available evidence is insufficient to determine the role of this variant in disease conclusively. Therefore, this variant is classified as a Variant of Uncertain Significance.

This study involves interpretation of variants in research participants for the purpose of population health screening. Participant phenotype was not available at the time of variant classification. Additional details can be found in publication PMID: 35346344, PMCID: PMC8962531

Color Diagnostics, LLC DBA Color Health
Classification: Uncertain significance for Familial thoracic aortic aneurysm and aortic dissection. Last evaluated: 2024-03-07. Review status: criteria provided, single submitter. Criteria: ACMG Guidelines, 2015. Collection method: clinical testing. Allele origin: germline.
Comment: This missense variant replaces alanine with threonine at codon 233 of the ACTA2 protein. Computational prediction suggests that this variant may not impact protein structure and function (internally defined REVEL score threshold <= 0.5, PMID: 27666373). To our knowledge, functional studies have not been reported for this variant. This variant has not been reported in individuals affected with ACTA2-related disorders in the literature. This variant has not been identified in the general population by the Genome Aggregation Database (gnomAD). The available evidence is insufficient to determine the role of this variant in disease conclusively. Therefore, this variant is classified as a Variant of Uncertain Significance.

Labcorp Genetics (formerly Invitae), Labcorp
Classification: Uncertain significance for Aortic aneurysm, familial thoracic 6. Last evaluated: 2023-06-16. Review status: criteria provided, single submitter. Criteria: Invitae Variant Classification Sherloc (09022015). Collection method: clinical testing. Allele origin: germline.
Comment: In summary, the available evidence is currently insufficient to determine the role of this variant in disease. Therefore, it has been classified as a Variant of Uncertain Significance. Advanced modeling of protein sequence and biophysical properties (such as structural, functional, and spatial information, amino acid conservation, physicochemical variation, residue mobility, and thermodynamic stability) performed at Invitae indicates that this missense variant is not expected to disrupt ACTA2 protein function. ClinVar contains an entry for this variant (Variation ID: 199673). This variant has not been reported in the literature in individuals affected with ACTA2-related conditions. The frequency data for this variant in the population databases is considered unreliable, as metrics indicate poor data quality at this position in the gnomAD database. This sequence change replaces alanine, which is neutral and non-polar, with threonine, which is neutral and polar, at codon 233 of the ACTA2 protein (p.Ala233Thr).

Ambry Genetics
Classification: Uncertain significance for Familial thoracic aortic aneurysm and aortic dissection. Last evaluated: 2019-05-19. Review status: criteria provided, single submitter. Criteria: Ambry Variant Classification Scheme 2023. Collection method: clinical testing. Allele origin: germline.
Comment: The p.A233T variant (also known as c.697G>A), located in coding exon 6 of the ACTA2 gene, results from a G to A substitution at nucleotide position 697. The alanine at codon 233 is replaced by threonine, an amino acid with similar properties. This amino acid position is highly conserved in available vertebrate species. In addition, this alteration is predicted to be deleterious by in silico analysis. Since supporting evidence is limited at this time, the clinical significance of this alteration remains unclear.